The following is an entry in ClinVar:

NM_000051.4(ATM):c.4796C>A (p.Ser1599Ter)

Gene: ATM (ATM serine/threonine kinase; plus strand). Cytogenetic location: 11q22.3.
Variant type: single nucleotide variant.
Coding change: c.4796C>A on transcript NM_000051.4 (MANE Select); coding-DNA position 4796, C replaced by A.
Protein change: p.Ser1599Ter; replaces serine 1599 with a stop codon.
Molecular consequence: nonsense.
Genome position (GRCh38, 1-based): chr11:108,294,946, C>A. VCF-style: chr11-108294946-C-A. GRCh37 (hg19) VCF-style: chr11-108165673-C-A.
Other names: c.4796C>A, p.Ser1599Ter (NM_001351834.2); short protein forms S1599*.
Identifiers: ClinVar variation 3148483 (VCV003148483.1), dbSNP rs1591684337, ClinGen allele CA382536344.

ClinVar aggregate classification (germline): Pathogenic (1 of 4 stars; one submission).

Conditions:
Familial cancer of breast. Also called: BREAST CANCER, FAMILIAL; Hereditary breast cancer; hereditary breast carcinoma. Identifiers: Orphanet 227535, MedGen C0346153, MONDO:0016419, OMIM 114480. Disease mechanism: loss of function.

Submission:

Myriad Genetics, Inc.
Classification: Pathogenic for Familial cancer of breast. Last evaluated: 2024-01-24. Review status: criteria provided, single submitter. Criteria: Myriad Autosomal Dominant, Autosomal Recessive and X-Linked Classification Criteria (2023). Collection method: clinical testing. Allele origin: unknown.
Comment: This variant is considered pathogenic. This variant creates a termination codon and is predicted to result in premature protein truncation.